The following is an entry in ClinVar:

NM_005609.4(PYGM):c.2083G>T (p.Gly695Trp)

Gene: PYGM (glycogen phosphorylase, muscle associated; minus strand). Cytogenetic location: 11q13.1.
Variant type: single nucleotide variant.
Coding change: c.2083G>T on transcript NM_005609.4 (MANE Select); coding-DNA position 2083, G replaced by T.
Protein change: p.Gly695Trp; replaces glycine 695 with tryptophan.
Molecular consequence: missense variant.
Genome position (GRCh38, 1-based): chr11:64,750,470, C>A on the plus strand (G>T on the coding strand, the complement: PYGM is on the minus strand). VCF-style: chr11-64750470-C-A. GRCh37 (hg19) VCF-style: chr11-64517942-C-A.
Other names: c.1819G>T, p.Gly607Trp (NM_001164716.1); short protein forms G607W, G695W.
Identifiers: ClinVar variation 3008568 (VCV003008568.3), dbSNP rs768604948, ClinGen allele CA381167853.

ClinVar aggregate classification (germline): Likely pathogenic (1 of 4 stars; one submission).

Conditions:
Glycogen storage disease, type V (GSD5). Also called: MCARDLE DISEASE; McArdle type glycogen storage disease; MUSCLE GLYCOGEN PHOSPHORYLASE DEFICIENCY; MYOPHOSPHORYLASE DEFICIENCY; PYGM DEFICIENCY. Identifiers: Orphanet 368, MedGen C0017924, MONDO:0009293, OMIM 232600.

gnomAD v4.1: 1 of 1,614,212 alleles (0.000062%); highest among the groups gnomAD compares: East Asian, 0.0022%; no homozygotes.

Submission:

Labcorp Genetics (formerly Invitae), Labcorp
Classification: Likely pathogenic for Glycogen storage disease, type V. Last evaluated: 2023-11-19. Review status: criteria provided, single submitter. Criteria: Invitae Variant Classification Sherloc (09022015). Collection method: clinical testing. Allele origin: germline.
Comment: This sequence change replaces glycine, which is neutral and non-polar, with tryptophan, which is neutral and slightly polar, at codon 695 of the PYGM protein (p.Gly695Trp). This variant is not present in population databases (gnomAD no frequency). This variant has not been reported in the literature in individuals affected with PYGM-related conditions. Advanced modeling of protein sequence and biophysical properties (such as structural, functional, and spatial information, amino acid conservation, physicochemical variation, residue mobility, and thermodynamic stability) performed at Invitae indicates that this missense variant is expected to disrupt PYGM protein function with a positive predictive value of 95%. This variant disrupts the p.Gly695 amino acid residue in PYGM. Other variant(s) that disrupt this residue have been determined to be pathogenic (PMID: 16924035, 29143597, 30316539). This suggests that this residue is clinically significant, and that variants that disrupt this residue are likely to be disease-causing. In summary, the currently available evidence indicates that the variant is pathogenic, but additional data are needed to prove that conclusively. Therefore, this variant has been classified as Likely Pathogenic.

Literature cited by the submitters: PubMed 16924035; PubMed 29143597; PubMed 30316539.